The following is an entry in ClinVar:

NM_001386298.1(CIC):c.6849C>G (p.Pro2283=)

Gene: CIC (capicua transcriptional repressor; plus strand). Cytogenetic location: 19q13.2.
Variant type: single nucleotide variant.
Coding change: c.6849C>G on transcript NM_001386298.1 (MANE Select); coding-DNA position 6849, C replaced by G.
Protein change: p.Pro2283=; no amino-acid change (proline 2283 retained).
Molecular consequence: synonymous variant.
Genome position (GRCh38, 1-based): chr19:42,294,016, C>G. VCF-style: chr19-42294016-C-G. GRCh37 (hg19) VCF-style: chr19-42798168-C-G.
Other names: c.6849C>G, p.Pro2283= (NM_001304815.2); c.6846C>G, p.Pro2282= (NM_001379480.1, NM_001379482.1, NM_001379483.1); c.4122C>G, p.Pro1374= (NM_001379484.1, NM_015125.5); c.4119C>G, p.Pro1373= (NM_001379485.1).
Identifiers: ClinVar variation 3059267 (VCV003059267.2), dbSNP rs138327774, ClinGen allele CA9472848.

ClinVar aggregate classification (germline): Likely benign (0 of 4 stars; one submission).

Conditions:
CIC-related disorder. Also called: CIC-related condition.

Allele frequency attached by ClinVar (database versions not stated): ESP Exome Variant Server 0.00015.
gnomAD v4.1: 19 of 1,613,678 alleles (0.0012%); highest among the groups gnomAD compares: East Asian, 0.0067%; no homozygotes.

Submission:

PreventionGenetics, part of Exact Sciences
Classification: Likely benign for CIC-related condition. Last evaluated: 2023-07-20. Review status: no assertion criteria provided. Collection method: clinical testing. Allele origin: germline.
Comment: This variant is classified as likely benign based on ACMG/AMP sequence variant interpretation guidelines (Richards et al. 2015 PMID: 25741868, with internal and published modifications).